The following is an entry in ClinVar:

ClinVar aggregate classification (germline): Uncertain significance. Review status: criteria provided, multiple submitters, no conflicts (2 of 4 stars). 2 submissions from 2 submitters: Uncertain significance (2). Last evaluated 2026-08-12.

Conditions:
Inborn genetic diseases. Identifiers: MedGen C0950123, MeSH D030342.

Submissions (2):

Ambry Genetics
Classification: Uncertain significance for Inborn genetic diseases. Last evaluated: 2026-08-12. Review status: criteria provided, single submitter. Criteria: Ambry Variant Classification Scheme 2023. Collection method: clinical testing. Allele origin: germline.

GeneDx
Classification: Uncertain significance. Last evaluated: 2025-04-13. Review status: criteria provided, single submitter. Criteria: GeneDx Variant Classification Process June 2021. Collection method: clinical testing. Allele origin: germline. Affected: yes.
Comment: Not observed at significant frequency in large population cohorts (gnomAD); In silico analysis supports that this missense variant has a deleterious effect on protein structure/function; Has not been previously published as pathogenic or benign to our knowledge

NM_139319.3(SLC17A8):c.1643A>C (p.Tyr548Ser)

Gene: SLC17A8 (solute carrier family 17 member 8; plus strand). Cytogenetic location: 12q23.1.
Variant type: single nucleotide variant.
Coding change: c.1643A>C on transcript NM_139319.3 (MANE Select); coding-DNA position 1643, A replaced by C.
Protein change: p.Tyr548Ser; replaces tyrosine 548 with serine.
Molecular consequence: missense variant.
Genome position (GRCh38, 1-based): chr12:100,420,032, A>C. VCF-style: chr12-100420032-A-C. GRCh37 (hg19) VCF-style: chr12-100813810-A-C.
Other names: c.1493A>C, p.Tyr498Ser (NM_001145288.2); short protein forms Y498S, Y548S.
Identifiers: ClinVar variation 4282489 (VCV004282489.2).
Genomic context (GRCh38, chr12:100,420,032, plus strand): 5'-TAGCTGAGGAGATAGAACTCAACCATGAGAGTTTTGCGAGTCCCAAAAAGAAGATGTCTT[A>C]TGGAGCCACCTCCCAGAATTGTGAAGTCCAGAAGAAGGAATGGAAAGGACAGAGAGGAGC-3'
Protein context (NP_647480.1, residues 538-558): SFASPKKKMS[Tyr548Ser]GATSQNCEVQ